The following is an entry in ClinVar:

ClinVar aggregate classification (germline): Likely pathogenic. Review status: criteria provided, multiple submitters, no conflicts (2 of 4 stars). 2 submissions from 2 submitters: Likely pathogenic (2). Last evaluated 2024-02-29.

Conditions:
ABCA4-related disorder. Also called: ABCA4-related disorders; ABCA4-related condition. Identifiers: MedGen CN239167.

Submissions (2):

Labcorp Genetics (formerly Invitae), Labcorp
Classification: Likely pathogenic. Last evaluated: 2024-02-29. Review status: criteria provided, single submitter. Criteria: Invitae Variant Classification Sherloc (09022015). Collection method: clinical testing. Allele origin: germline.
Comment: This sequence change replaces lysine, which is basic and polar, with glutamic acid, which is acidic and polar, at codon 59 of the ABCA4 protein (p.Lys59Glu). This variant is not present in population databases (gnomAD no frequency). This missense change has been observed in individual(s) with autosomal recessive Stargardt disease (PMID: 26593885). Advanced modeling of protein sequence and biophysical properties (such as structural, functional, and spatial information, amino acid conservation, physicochemical variation, residue mobility, and thermodynamic stability) performed at Invitae indicates that this missense variant is expected to disrupt ABCA4 protein function with a positive predictive value of 95%. This variant disrupts the p.Lys59 amino acid residue in ABCA4. Other variant(s) that disrupt this residue have been observed in individuals with ABCA4-related conditions (PMID: 34315337), which suggests that this may be a clinically significant amino acid residue. In summary, the currently available evidence indicates that the variant is pathogenic, but additional data are needed to prove that conclusively. Therefore, this variant has been classified as Likely Pathogenic.

Blueprint Genetics
Classification: Likely pathogenic for ABCA4-related disorders. Last evaluated: 2021-08-30. Review status: criteria provided, single submitter. Criteria: ACMG Guidelines, 2015. Collection method: clinical testing. Allele origin: germline. Affected: yes. Observed: 1 variant allele.

Literature cited by the submitters: PubMed 26593885 (cited by Labcorp Genetics (formerly Invitae), Labcorp); PubMed 34315337 (cited by Labcorp Genetics (formerly Invitae), Labcorp).

NM_000350.3(ABCA4):c.175A>G (p.Lys59Glu)

Gene: ABCA4 (ATP binding cassette subfamily A member 4; minus strand). Cytogenetic location: 1p22.1.
Variant type: single nucleotide variant.
Coding change: c.175A>G on transcript NM_000350.3 (MANE Select); coding-DNA position 175, A replaced by G.
Protein change: p.Lys59Glu; replaces lysine 59 with glutamic acid.
Molecular consequence: missense variant.
Genome position (GRCh38, 1-based): chr1:94,111,565, T>C on the plus strand (A>G on the coding strand, the complement: ABCA4 is on the minus strand). VCF-style: chr1-94111565-T-C. GRCh37 (hg19) VCF-style: chr1-94577121-T-C.
Other names: c.175A>G, p.Lys59Glu (NM_001425324.1); short protein forms K59E.
Identifiers: ClinVar variation 3720229 (VCV003720229.3).